The following is an entry in ClinVar:

ClinVar aggregate classification (germline): Uncertain significance (1 of 4 stars; one submission).

Conditions:
POLD1-related polyposis and colorectal cancer syndrome (CRCS10). Also called: Colorectal cancer, susceptibility to, 10; Colorectal cancer 10; COLORECTAL CANCER, SUSCEPTIBILITY TO, ON CHROMOSOME 19q. Identifiers: Orphanet 220460, MedGen C2675481, MONDO:0012953, OMIM 612591.

Submission:

Labcorp Genetics (formerly Invitae), Labcorp
Classification: Uncertain significance for POLD1-related polyposis and colorectal cancer syndrome. Last evaluated: 2018-10-07. Review status: criteria provided, single submitter. Criteria: Invitae Variant Classification Sherloc (09022015). Collection method: clinical testing. Allele origin: germline.
Comment: This sequence change replaces tryptophan with cysteine at codon 79 of the POLD1 protein (p.Trp79Cys). The tryptophan residue is moderately conserved and there is a large physicochemical difference between tryptophan and cysteine. This variant is not present in population databases (ExAC no frequency). This variant has not been reported in the literature in individuals with POLD1-related disease. Algorithms developed to predict the effect of missense changes on protein structure and function are either unavailable or do not agree on the potential impact of this missense change (SIFT: "Deleterious"; PolyPhen-2: "Probably Damaging"; Align-GVGD: "Class C0"). In summary, the available evidence is currently insufficient to determine the role of this variant in disease. Therefore, it has been classified as a Variant of Uncertain Significance.

NM_002691.4(POLD1):c.237G>T (p.Trp79Cys)

Gene: POLD1 (DNA polymerase delta 1, catalytic subunit; plus strand). Cytogenetic location: 19q13.33.
Variant type: single nucleotide variant.
Coding change: c.237G>T on transcript NM_002691.4 (MANE Select); coding-DNA position 237, G replaced by T.
Protein change: p.Trp79Cys; replaces tryptophan 79 with cysteine.
Molecular consequence: missense variant. On other transcripts: non-coding transcript variant (1).
Genome position (GRCh38, 1-based): chr19:50,399,405, G>T. VCF-style: chr19-50399405-G-T. GRCh37 (hg19) VCF-style: chr19-50902662-G-T.
Other names: c.237G>T, p.Trp79Cys (NM_001256849.1, NM_001308632.1); short protein forms W79C.
Identifiers: ClinVar variation 659258 (VCV000659258.8), dbSNP rs1601190560, ClinGen allele CA406970443.
Genomic context (GRCh38, chr19:50,399,405, plus strand): 5'-TCCACTTCCTTCCCTTCCCCCACCAGGGCAGGTCCCACCATCAGCCATAGATCCTCGCTG[G>T]CTTCGGCCCACACCACCAGCGCTGGACCCCCAGACAGAGCCCCTCATCTTCCAACAGTTG-3'
Protein context (NP_002682.2, residues 69-89): QVPPSAIDPR[Trp79Cys]LRPTPPALDP